The following is an entry in ClinVar:

NM_001365536.1(SCN9A):c.259-10C>A

Gene: SCN9A (sodium voltage-gated channel alpha subunit 9; minus strand). Cytogenetic location: 2q24.3.
Variant type: single nucleotide variant.
Coding change: c.259-10C>A on transcript NM_001365536.1 (MANE Select); 10 bases into the intron before coding-DNA position 259, C replaced by A.
Molecular consequence: intron variant.
Genome position (GRCh38, 1-based): chr2:166,307,084, G>T on the plus strand (C>A on the coding strand, the complement: SCN9A is on the minus strand). VCF-style: chr2-166307084-G-T. GRCh37 (hg19) VCF-style: chr2-167163594-G-T.
Other names: c.259-10C>A (NM_002977.4).
Identifiers: ClinVar variation 4792827 (VCV004792827.1).
Genomic context (GRCh38, chr2:166,307,084, plus strand): 5'-TGTGGCATTGAAACGGAAGATTGTTTTCCCTTTGTTCAATACTATGAAAGTCTGCAGGAG[G>T]AAAAAGAAAGGATGAAATTGAGAATCCAAAATATCAATTTTTCACATCAATATCAGCAGT-3'

ClinVar aggregate classification (germline): Uncertain significance (1 of 4 stars; one submission).

Conditions:
Neuropathy, hereditary sensory and autonomic, type 2A (HSAN2A). Also called: ACROOSTEOLYSIS, GIACCAI TYPE; ACROOSTEOLYSIS, NEUROGENIC; MORVAN DISEASE; NEUROPATHY, CONGENITAL SENSORY; NEUROPATHY, HEREDITARY SENSORY RADICULAR, AUTOSOMAL RECESSIVE; NEUROPATHY, HEREDITARY SENSORY, TYPE IIA. Identifiers: Orphanet 970, MedGen C2752089, MONDO:0024309, OMIM 201300.
Generalized epilepsy with febrile seizures plus, type 7 (GEFSP7). Also called: GEFS+, TYPE 7. Identifiers: Orphanet 36387, MedGen C2751778, MONDO:0013470, OMIM 613863.

Submission:

Labcorp Genetics (formerly Invitae), Labcorp
Classification: Uncertain significance for Neuropathy, hereditary sensory and autonomic, type 2A; Generalized epilepsy with febrile seizures plus, type 7. Last evaluated: 2025-12-30. Review status: criteria provided, single submitter. Criteria: Invitae Variant Classification Sherloc (09022015). Collection method: clinical testing. Allele origin: germline.
Comment: This sequence change falls in intron 2 of the SCN9A gene. It does not directly change the encoded amino acid sequence of the SCN9A protein. This variant is not present in population databases (gnomAD no frequency). This variant has not been reported in the literature in individuals affected with SCN9A-related conditions. Algorithms developed to predict the effect of sequence changes on RNA splicing suggest that this variant may disrupt the consensus splice site. In summary, the available evidence is currently insufficient to determine the role of this variant in disease. Therefore, it has been classified as a Variant of Uncertain Significance.